The following is an entry in ClinVar:

ClinVar aggregate classification (germline): Likely benign. Review status: criteria provided, single submitter (1 of 4 stars). 2 submissions from 2 submitters: Likely benign (1). 1 of the submissions does not count toward it. Last evaluated 2026-04-01.

Conditions:
TRPM3-related disorder. Also called: TRPM3-related condition.

Allele frequency attached by ClinVar (database versions not stated): TOPMed 0.00083; 1000 Genomes Project 30x 0.00094; 1000 Genomes Project 0.00120; ESP Exome Variant Server 0.00123; gnomAD exomes 0.00156; ExAC 0.00248; gnomAD 0.00254.
gnomAD v4.1: 2,659 of 1,614,194 alleles (0.16%); highest among the groups gnomAD compares: Non-Finnish European, 0.1%; 17 homozygotes.

Submissions (2):

CeGaT Center for Human Genetics Tuebingen
Classification: Likely benign. Last evaluated: 2026-04-01. Review status: criteria provided, single submitter. Criteria: CeGaT Center For Human Genetics Tuebingen Variant Classification Criteria Version 2. Collection method: clinical testing. Allele origin: germline. Affected: yes. Observed: 8 variant alleles.
Comment: TRPM3: BP4, BP7, BS1

PreventionGenetics, part of Exact Sciences
Classification: Benign for TRPM3-related condition. Last evaluated: 2019-08-21. Review status: no assertion criteria provided. Collection method: clinical testing. Allele origin: germline. Not counted in ClinVar's aggregate classification.
Comment: This variant is classified as benign based on ACMG/AMP sequence variant interpretation guidelines (Richards et al. 2015 PMID: 25741868, with internal and published modifications).

NM_001366145.2(TRPM3):c.2208G>A (p.Thr736=)

Gene: TRPM3 (transient receptor potential cation channel subfamily M member 3; minus strand). Cytogenetic location: 9q21.12.
Variant type: single nucleotide variant.
Coding change: c.2208G>A on transcript NM_001366145.2 (MANE Select); coding-DNA position 2208, G replaced by A.
Protein change: p.Thr736=; no amino-acid change (threonine 736 retained).
Molecular consequence: synonymous variant.
Genome position (GRCh38, 1-based): chr9:70,619,017, C>T on the plus strand (G>A on the coding strand, the complement: TRPM3 is on the minus strand). VCF-style: chr9-70619017-C-T. GRCh37 (hg19) VCF-style: chr9-73233933-C-T.
Other names: c.2172G>A, p.Thr724= (NM_001007471.4, NM_001366151.2); c.2178G>A, p.Thr726= (NM_001366141.2, NM_001366143.2, NM_001366149.2); c.2214G>A, p.Thr738= (NM_001366142.2); c.2208G>A, p.Thr736= (NM_001366146.2); c.2283G>A, p.Thr761= (NM_001366147.2, NM_001366152.2); c.2253G>A, p.Thr751= (NM_001366148.2); c.2142G>A, p.Thr714= (NM_001366150.2); c.1749G>A, p.Thr583= (NM_001366154.2, NM_024971.7); and 6 more.
Identifiers: ClinVar variation 2659251 (VCV002659251.25), dbSNP rs139079542, ClinGen allele CA5078359.